The following is an entry in ClinVar:

NM_144687.4(NLRP12):c.1358dup (p.Pro454fs)

Gene: NLRP12 (NLR family pyrin domain containing 12; minus strand). Cytogenetic location: 19q13.42.
Variant type: Duplication.
Coding change: c.1358dup on transcript NM_144687.4 (MANE Select); coding-DNA position 1358, one base duplicated (A; older notation c.1358dupA).
Protein change: p.Pro454fs; shifts the reading frame from proline 454.
Molecular consequence: frameshift variant.
Genome position (GRCh38, 1-based): chr19:53,810,301, T duplicated on the plus strand (A on the coding strand, the reverse complement: NLRP12 is on the minus strand). VCF-style (leftmost placement, unchanged base first): chr19-53810300-C-CT. GRCh37 (hg19) VCF-style: chr19-54313554-C-CT.
Other names: c.1358dup, p.Pro454fs (NM_001277126.2, NM_001277129.1); short protein forms P454fs.
Identifiers: ClinVar variation 2845467 (VCV002845467.3), dbSNP rs2514339056, ClinGen allele CA2739277006.

ClinVar aggregate classification (germline): Uncertain significance (1 of 4 stars; one submission).

Conditions:
Familial cold autoinflammatory syndrome 2 (FCAS2). Identifiers: Orphanet 247868, MedGen C2673198, MONDO:0012724, OMIM 611762.

Submission:

Labcorp Genetics (formerly Invitae), Labcorp
Classification: Uncertain significance for Familial cold autoinflammatory syndrome 2. Last evaluated: 2023-03-13. Review status: criteria provided, single submitter. Criteria: Invitae Variant Classification Sherloc (09022015). Collection method: clinical testing. Allele origin: germline.
Comment: In summary, the available evidence is currently insufficient to determine the role of this variant in disease. Therefore, it has been classified as a Variant of Uncertain Significance. This variant has not been reported in the literature in individuals affected with NLRP12-related conditions. This variant is not present in population databases (gnomAD no frequency). This sequence change creates a premature translational stop signal (p.Pro454Alafs*24) in the NLRP12 gene. It is expected to result in an absent or disrupted protein product. However, the current clinical and genetic evidence is not sufficient to establish whether loss-of-function variants in NLRP12 cause disease.